The following is an entry in ClinVar:

NM_020361.5(CPA6):c.831G>C (p.Lys277Asn)

Genes: ARFGEF1-DT (ARFGEF1 divergent transcript; plus strand), CPA6 (carboxypeptidase A6; minus strand). Cytogenetic location: 8q13.2.
Variant type: single nucleotide variant.
Coding change: c.831G>C on transcript NM_020361.5 (MANE Select); coding-DNA position 831, G replaced by C.
Protein change: p.Lys277Asn; replaces lysine 277 with asparagine.
Molecular consequence: missense variant.
Genome position (GRCh38, 1-based): chr8:67,483,775, C>G on the plus strand (G>C on the coding strand, the complement: CPA6 is on the minus strand). VCF-style: chr8-67483775-C-G. GRCh37 (hg19) VCF-style: chr8-68396010-C-G.
Other names: short protein forms K277N.
Identifiers: ClinVar variation 2267149 (VCV002267149.3), dbSNP rs201194743, ClinGen allele CA4772835.
Genomic context (GRCh38, chr8:67,483,775, plus strand): 5'-AGTAAAACCTGCAGAAACCTTTGGATCTGGATCCCAGTTGGTCCCAAACTTACCACACCA[C>G]TTCACTTTCCAGTTTCTATTGGCATCCACTCCACGGCAGCGAAACCTTGAGTTCCTTGAC-3'
Protein context (NP_065094.3, residues 267-287): GVDANRNWKV[Lys277Asn]WCDEGASMHP

ClinVar aggregate classification (germline): Uncertain significance. Review status: criteria provided, multiple submitters, no conflicts (2 of 4 stars). 2 submissions from 2 submitters: Uncertain significance (2). Last evaluated 2022-10-20.

Conditions:
CPA6-related disorder. Also called: CPA6-related condition.

Allele frequency attached by ClinVar (database versions not stated): ExAC 0.00001; gnomAD 0.00001; 1000 Genomes Project 30x 0.00016; 1000 Genomes Project 0.00020.
gnomAD v4.1: 11 of 1,613,972 alleles (0.00068%); highest among the groups gnomAD compares: African/African-American, 0.013%; no homozygotes.

Submissions (2):

PreventionGenetics, part of Exact Sciences
Classification: Uncertain significance for CPA6-related condition. Last evaluated: 2022-10-20. Review status: criteria provided, single submitter. Criteria: ACMG Guidelines, 2015. Collection method: clinical testing. Allele origin: germline.
Comment: The CPA6 c.831G>C variant is predicted to result in the amino acid substitution p.Lys277Asn. To our knowledge, this variant has not been reported in the literature. This variant is reported in 0.0080% of alleles in individuals of African descent in gnomAD. At this time, the clinical significance of this variant is uncertain due to the absence of conclusive functional and genetic evidence.

Ambry Genetics
Classification: Uncertain significance. Last evaluated: 2021-12-14. Review status: criteria provided, single submitter. Criteria: Ambry Variant Classification Scheme 2023. Collection method: clinical testing. Allele origin: germline.